The following is an entry in ClinVar:

NM_000228.3(LAMB3):c.384C>T (p.Pro128=)

Gene: LAMB3 (laminin subunit beta 3; minus strand). Cytogenetic location: 1q32.2.
Variant type: single nucleotide variant.
Coding change: c.384C>T on transcript NM_000228.3 (MANE Select); coding-DNA position 384, C replaced by T.
Protein change: p.Pro128=; no amino-acid change (proline 128 retained).
Molecular consequence: synonymous variant.
Genome position (GRCh38, 1-based): chr1:209,634,627, G>A on the plus strand (C>T on the coding strand, the complement: LAMB3 is on the minus strand). VCF-style: chr1-209634627-G-A. GRCh37 (hg19) VCF-style: chr1-209807972-G-A.
Other names: c.384C>T, p.Pro128= (NM_001017402.2, NM_001127641.1).
Identifiers: ClinVar variation 255596 (VCV000255596.21), dbSNP rs1130667, ClinGen allele CA1375984.

ClinVar aggregate classification (germline): Benign. Review status: criteria provided, multiple submitters, no conflicts (2 of 4 stars). 9 submissions from 7 submitters: Benign (9). Last evaluated 2026-02-04.

Conditions:
Amelogenesis imperfecta type 1A. Also called: AMELOGENESIS IMPERFECTA, HYPOPLASTIC TYPE IA; Amelogenesis imperfecta local hypoplastic; Amelogenesis imperfecta, hypoplastic type; Amelogenesis imperfecta, type IA. Identifiers: Orphanet 88661, MedGen C4011403, MONDO:0007094, OMIM 104530.
Junctional epidermolysis bullosa. Identifiers: Orphanet 305, MedGen C0079301, MONDO:0017612.
Junctional epidermolysis bullosa gravis of Herlitz. Also called: EPIDERMOLYSIS BULLOSA JUNCTIONALIS, HERLITZ TYPE; EPIDERMOLYSIS BULLOSA, JUNCTIONAL, HERLITZ-PEARSON TYPE; JEB-HERLITZ TYPE; Herlitz-type junctional epidermolysis bullosa; Epidermolysis Bullosa Letalis; EPIDERMOLYSIS BULLOSA, JUNCTIONAL 1B, SEVERE. Identifiers: Orphanet 79404, MedGen C0079683, MONDO:0009182, OMIM 226700.
Junctional epidermolysis bullosa, non-Herlitz type. Also called: Epidermolysis bullosa, junctional, non-herlitz type, somatic mosaic revertant; EPIDERMOLYSIS BULLOSA JUNCTIONALIS, DISENTIS TYPE; EPIDERMOLYSIS BULLOSA JUNCTIONALIS, NON-HERLITZ TYPE; EPIDERMOLYSIS BULLOSA JUNCTIONALIS, PROGRESSIVE; EPIDERMOLYSIS BULLOSA JUNCTIONALIS, SEVERE NONLETHAL; COL17A1-Related Junctional Epidermolysis Bullosa. Identifiers: Orphanet 251393, Orphanet 79402, Orphanet 79405, Orphanet 89840, MedGen C0268374, MONDO:0009180, OMIM 226650.

Allele frequency attached by ClinVar (database versions not stated): 1000 Genomes Project 30x 0.24391; 1000 Genomes Project 0.24541; TOPMed 0.29633; gnomAD 0.30741 and 0.30862; ESP Exome Variant Server 0.31370; gnomAD exomes 0.34238; ExAC 0.36248.
gnomAD v4.1: 606,346 of 1,611,392 alleles (38%); highest among the groups gnomAD compares: Middle Eastern, 46%; 118,728 homozygotes.

Submissions (9):

Labcorp Genetics (formerly Invitae), Labcorp
Classification: Benign. Last evaluated: 2026-02-04. Review status: criteria provided, single submitter. Criteria: Invitae Variant Classification Sherloc (09022015). Collection method: clinical testing. Allele origin: germline.

Blueprint Genetics
Classification: Benign. Last evaluated: 2024-11-26. Review status: criteria provided, single submitter. Criteria: ACMG Guidelines, 2015. Collection method: clinical testing. Allele origin: germline.

Genome-Nilou Lab
Classification: Benign for Amelogenesis imperfecta type 1A. Last evaluated: 2021-07-08. Review status: criteria provided, single submitter. Criteria: ACMG Guidelines, 2015. Collection method: clinical testing. Allele origin: germline. Affected: no.

Genome-Nilou Lab
Classification: Benign for Junctional epidermolysis bullosa gravis of Herlitz. Last evaluated: 2021-07-08. Review status: criteria provided, single submitter. Criteria: ACMG Guidelines, 2015. Collection method: clinical testing. Allele origin: germline. Affected: no.

Genome-Nilou Lab
Classification: Benign for Junctional epidermolysis bullosa, non-Herlitz type. Last evaluated: 2021-07-08. Review status: criteria provided, single submitter. Criteria: ACMG Guidelines, 2015. Collection method: clinical testing. Allele origin: germline. Affected: no.

Illumina Laboratory Services, Illumina
Classification: Benign for Junctional epidermolysis bullosa. Last evaluated: 2018-01-12. Review status: criteria provided, single submitter. Criteria: ICSL Variant Classification Criteria 13 December 2019. Collection method: clinical testing. Allele origin: germline.
Comment: This variant was observed in the ICSL laboratory as part of a predisposition screen in an ostensibly healthy population. It had not been previously curated by ICSL or reported in the Human Gene Mutation Database (HGMD: prior to June 1st, 2018), and was therefore a candidate for classification through an automated scoring system. Utilizing variant allele frequency, disease prevalence and penetrance estimates, and inheritance mode, an automated score was calculated to assess if this variant is too frequent to cause the disease. Based on the score and internal cut-off values, a variant classified as benign is not then subjected to further curation. The score for this variant resulted in a classification of benign for this disease.

GeneDx
Classification: Benign. Last evaluated: 2015-03-03. Review status: criteria provided, single submitter. Criteria: GeneDx Variant Classification Process June 2021. Collection method: clinical testing. Allele origin: germline. Affected: yes.

Breakthrough Genomics
Classification: Benign. Review status: criteria provided, single submitter. Criteria: ACMG Guidelines, 2015. Collection method: not provided. Allele origin: germline. Inheritance: Autosomal recessive inheritance. Affected: yes.

PreventionGenetics, part of Exact Sciences
Classification: Benign. Review status: criteria provided, single submitter. Criteria: ACMG Guidelines, 2015. Collection method: clinical testing. Allele origin: germline.